The following is an entry in ClinVar:

ClinVar aggregate classification (germline): Likely pathogenic (1 of 4 stars; one submission).

Conditions:
KBG syndrome (KBGS). Also called: ANKRD11-Related KBG Syndrome. Identifiers: Orphanet 2332, MedGen C0220687, MONDO:0007846, OMIM 148050.

Submission:

3billion
Classification: Likely pathogenic for KBG syndrome. Review status: criteria provided, single submitter. Criteria: ACMG Guidelines, 2015. Collection method: clinical testing. Allele origin: unknown. Affected: yes. Observed: 1 heterozygote.
Comment: The variant is not observed in the gnomAD v2.1.1 dataset. The variant is predicted to result in a loss or disruption of normal protein function through nonsense-mediated decay (NMD) or protein truncation. Multiple pathogenic variants are reported downstream of the variant. Therefore, this variant is classified as Likely pathogenic according to the recommendation of ACMG/AMP guideline.

NM_013275.6(ANKRD11):c.3547_3548del (p.Asp1183fs)

Gene: ANKRD11 (ankyrin repeat domain 11; minus strand). Cytogenetic location: 16q24.3.
Variant type: Microsatellite.
Coding change: c.3547_3548del on transcript NM_013275.6 (MANE Select); coding-DNA positions 3547 to 3548, 2 bases deleted (GA; older notation c.3547_3548delGA).
Protein change: p.Asp1183fs; shifts the reading frame from aspartic acid 1183.
Molecular consequence: frameshift variant.
Genome position (GRCh38, 1-based): chr16:89,282,994-89,282,995, TC deleted on the plus strand (GA on the coding strand, the reverse complement: ANKRD11 is on the minus strand); deleting any 2 consecutive bases within chr16:89,282,994-89,282,998 gives the same sequence; the c. name uses the placement nearest the transcript's 3' end. VCF-style (leftmost placement, unchanged base first): chr16-89282993-GTC-G. GRCh37 (hg19) VCF-style: chr16-89349401-GTC-G.
Other names: c.3547_3548del, p.Asp1183fs (NM_001256182.2, NM_001256183.2); short protein forms D1183fs.
Identifiers: ClinVar variation 2572443 (VCV002572443.1), dbSNP rs2544236993, ClinGen allele CA2580613980.
Genomic context (GRCh38, chr16:89,282,993, plus strand): 5'-TTCAAAGACTTTCTCTTTTTTGTCTCTCCCCGCGTCGGCAGCCCCTCGGTCCTTTCTCCT[GTC>G]TCTGGGCTCCTTGTCCTTCTGCCTCTCAGGGTGCTGCTTGTCAGAAGACTTCCTGTGTCT-3'